The following is an entry in ClinVar:

ClinVar aggregate classification (germline): Benign. Review status: criteria provided, multiple submitters, no conflicts (2 of 4 stars). 6 submissions from 4 submitters: Benign (6). Last evaluated 2022-10-21.

Conditions:
Pyropoikilocytosis, hereditary. Also called: Pyropoikilocytosis. Identifiers: MedGen C0520739, MONDO:0009948, OMIM 266140, HP:0004839. Disease mechanism: loss of function.
Hereditary spherocytosis type 3. Also called: Spherocytosis type 3; SPTA1-Related Spherocytosis. Identifiers: Orphanet 822, MedGen C2678338, MONDO:0010053, OMIM 270970.
Elliptocytosis 2 (EL2). Also called: ELLIPTOCYTOSIS, RHESUS-UNLINKED TYPE. Identifiers: Orphanet 288, MedGen C1851741, MONDO:0007533, OMIM 130600.

Allele frequency attached by ClinVar (database versions not stated): TOPMed 0.09862; gnomAD 0.10237 and 0.10398; 1000 Genomes Project 30x 0.10353; 1000 Genomes Project 0.10623; gnomAD exomes 0.11535.
gnomAD v4.1: 41,298 of 374,844 alleles (11%); highest among the groups gnomAD compares: East Asian, 17%; 2,505 homozygotes.

Submissions (6):

Mayo Clinic Laboratories, Mayo Clinic
Classification: Benign. Last evaluated: 2022-10-21. Review status: criteria provided, single submitter. Criteria: ACMG Guidelines, 2015. Collection method: clinical testing. Allele origin: germline. Observed: 208 variant alleles.

GeneDx
Classification: Benign. Last evaluated: 2018-11-12. Review status: criteria provided, single submitter. Criteria: GeneDx Variant Classification Process June 2021. Collection method: clinical testing. Allele origin: germline. Affected: yes.

Illumina Laboratory Services, Illumina
Classification: Benign for Elliptocytosis 2. Last evaluated: 2018-01-12. Review status: criteria provided, single submitter. Criteria: ICSL Variant Classification Criteria 13 December 2019. Collection method: clinical testing. Allele origin: germline.
Comment: This variant was observed in the ICSL laboratory as part of a predisposition screen in an ostensibly healthy population. It had not been previously curated by ICSL or reported in the Human Gene Mutation Database (HGMD: prior to June 1st, 2018), and was therefore a candidate for classification through an automated scoring system. Utilizing variant allele frequency, disease prevalence and penetrance estimates, and inheritance mode, an automated score was calculated to assess if this variant is too frequent to cause the disease. Based on the score and internal cut-off values, a variant classified as benign is not then subjected to further curation. The score for this variant resulted in a classification of benign for this disease.

Illumina Laboratory Services, Illumina
Classification: Benign for Hereditary spherocytosis type 3. Last evaluated: 2018-01-12. Review status: criteria provided, single submitter. Criteria: ICSL Variant Classification Criteria 13 December 2019. Collection method: clinical testing. Allele origin: germline.
Comment: the same text as in the submission from Illumina Laboratory Services, Illumina above.

Illumina Laboratory Services, Illumina
Classification: Benign for Pyropoikilocytosis, hereditary. Last evaluated: 2018-01-12. Review status: criteria provided, single submitter. Criteria: ICSL Variant Classification Criteria 13 December 2019. Collection method: clinical testing. Allele origin: germline.
Comment: the same text as in the submission from Illumina Laboratory Services, Illumina above.

Breakthrough Genomics
Classification: Benign. Review status: criteria provided, single submitter. Criteria: ACMG Guidelines, 2015. Collection method: not provided. Allele origin: germline. Inheritance: Autosomal recessive inheritance. Affected: yes.

NM_003126.4(SPTA1):c.*276T>C

Genes: OR10Z1 (olfactory receptor family 10 subfamily Z member 1; plus strand), SPTA1 (spectrin alpha, erythrocytic 1; minus strand). Cytogenetic location: 1q23.1.
Variant type: single nucleotide variant.
Coding change: c.*276T>C on transcript NM_003126.4 (MANE Select); 276 bases downstream of the stop codon, T replaced by C.
Molecular consequence: 3 prime UTR variant.
Genome position (GRCh38, 1-based): chr1:158,610,988, A>G on the plus strand (T>C on the coding strand, the complement: SPTA1 is on the minus strand). VCF-style: chr1-158610988-A-G. GRCh37 (hg19) VCF-style: chr1-158580778-A-G.
Identifiers: ClinVar variation 292922 (VCV000292922.9), dbSNP rs12128275, ClinGen allele CA10608364.